The following is an entry in ClinVar:

NM_173495.3(PTCHD1):c.817G>T (p.Val273Phe)

Gene: PTCHD1 (patched domain containing 1; plus strand). Cytogenetic location: Xp22.11.
Variant type: single nucleotide variant.
Coding change: c.817G>T on transcript NM_173495.3 (MANE Select); coding-DNA position 817, G replaced by T.
Protein change: p.Val273Phe; replaces valine 273 with phenylalanine.
Molecular consequence: missense variant.
Genome position (GRCh38, 1-based): chrX:23,380,056, G>T. VCF-style: chrX-23380056-G-T. GRCh37 (hg19) VCF-style: chrX-23398173-G-T.
Other names: short protein forms V273F.
Identifiers: ClinVar variation 589646 (VCV000589646.10), dbSNP rs762133513, ClinGen allele CA10369074.
Genomic context (GRCh38, chrX:23,380,056, plus strand): 5'-ACGTCCTCCTCACTGAGGGAAGATTTCCAGAAGACCAGCCGCGTATCAGAACGTTACCTG[G>T]TCACCAGCCTGATTCTGGTGGTTACCATGGCCATCCTGTGTTGCTCTATGCAGGACTGCG-3'
Protein context (NP_775766.2, residues 263-283): KTSRVSERYL[Val273Phe]TSLILVVTMA

ClinVar aggregate classification (germline): Conflicting classifications of pathogenicity. Review status: criteria provided, conflicting classifications (1 of 4 stars). 3 submissions from 3 submitters: Uncertain significance (1); Benign (2). Last evaluated 2021-02-03.

Conditions:
Inborn genetic diseases. Identifiers: MedGen C0950123, MeSH D030342.

Allele frequency attached by ClinVar (database versions not stated): gnomAD 0.00001; gnomAD exomes 0.00003 and 0.00009; TOPMed 0.00003; ExAC 0.00006.
gnomAD v4.1: 16 of 1,209,997 alleles (0.0013%); highest among the groups gnomAD compares: Admixed American, 0.035%; no homozygotes.

Submissions (3):

GeneDx
Classification: Benign. Last evaluated: 2021-02-03. Review status: criteria provided, single submitter. Criteria: GeneDx Variant Classification Process June 2021. Collection method: clinical testing. Allele origin: germline. Affected: yes.

Labcorp Genetics (formerly Invitae), Labcorp
Classification: Benign. Last evaluated: 2018-04-10. Review status: criteria provided, single submitter. Criteria: Invitae Variant Classification Sherloc (09022015). Collection method: clinical testing. Allele origin: germline.

Ambry Genetics
Classification: Uncertain significance for Inborn genetic diseases. Last evaluated: 2017-05-10. Review status: criteria provided, single submitter. Criteria: Ambry Variant Classification Scheme 2023. Collection method: clinical testing. Allele origin: germline.
Comment: The p.V273F variant (also known as c.817G>T), located in coding exon 2 of the PTCHD1 gene, results from a G to T substitution at nucleotide position 817. The valine at codon 273 is replaced by phenylalanine, an amino acid with highly similar properties. This amino acid position is not well conserved in available vertebrate species. In addition, the in silico prediction for this alteration is inconclusive. Since supporting evidence is limited at this time, the clinical significance of this alteration remains unclear.